The following is an entry in ClinVar:

ClinVar aggregate classification (germline): Conflicting classifications of pathogenicity. Review status: criteria provided, conflicting classifications (1 of 4 stars). 16 submissions from 16 submitters: Uncertain significance (4); Benign (1); Likely benign (8). 3 of the submissions do not count toward it. Last evaluated 2026-02-02.

Conditions:
TSC2-related disorder. Also called: TSC2-Related Disorders; TSC2-related condition.
Hereditary cancer-predisposing syndrome. Also called: Tumor predisposition; Neoplastic Syndromes, Hereditary; Hereditary neoplastic syndrome; Hereditary Cancer Syndrome. Identifiers: Orphanet 140162, MedGen C0027672, MeSH D009386, MONDO:0015356.
Tuberous sclerosis syndrome (TSC). Also called: Tuberous Sclerosis Complex; Tuberous sclerosis. Identifiers: Orphanet 805, MedGen C0041341, MONDO:0001734.
Tuberous sclerosis 2 (TSC2). Identifiers: Orphanet 805, MedGen C1860707, MONDO:0013199, OMIM 613254.

Allele frequency attached by ClinVar (database versions not stated): TOPMed 0.00012; gnomAD 0.00013; gnomAD exomes 0.00014 and 0.00030; ExAC 0.00015; 1000 Genomes Project 30x 0.00016; 1000 Genomes Project 0.00020; ESP Exome Variant Server 0.00038.
gnomAD v4.1: 456 of 1,612,974 alleles (0.028%); highest among the groups gnomAD compares: Non-Finnish European, 0.037%; no homozygotes.

Submissions (16):

Labcorp Genetics (formerly Invitae), Labcorp
Classification: Benign for Tuberous sclerosis 2. Last evaluated: 2026-02-02. Review status: criteria provided, single submitter. Criteria: Invitae Variant Classification Sherloc (09022015). Collection method: clinical testing. Allele origin: germline.

Myriad Genetics, Inc.
Classification: Likely benign for Tuberous sclerosis 2. Last evaluated: 2025-05-28. Review status: criteria provided, single submitter. Criteria: Myriad Autosomal Dominant, Autosomal Recessive and X-Linked Classification Criteria (2023). Collection method: clinical testing. Allele origin: unknown.
Comment: This variant is considered likely benign. This variant has been observed at a population frequency that is significantly greater than expected given the associated disease prevalence and penetrance.

Mayo Clinic Laboratories, Mayo Clinic
Classification: Likely benign. Last evaluated: 2025-05-23. Review status: criteria provided, single submitter. Criteria: ACMG Guidelines, 2015. Collection method: clinical testing. Allele origin: germline. Observed: 1 variant allele.
Comment: BS2

Quest Diagnostics Nichols Institute San Juan Capistrano
Classification: Likely benign. Last evaluated: 2025-02-14. Review status: criteria provided, single submitter. Criteria: Quest Diagnostics criteria. Collection method: clinical testing. Allele origin: unknown.

All of Us Research Program, National Institutes of Health
Classification: Uncertain significance for Tuberous sclerosis syndrome. Last evaluated: 2024-09-23. Review status: criteria provided, single submitter. Criteria: ACMG Guidelines, 2015. Collection method: clinical testing. Allele origin: germline. Inheritance: Autosomal dominant inheritance. Observed: 54 variant alleles, 54 heterozygotes.
Comment: This missense variant replaces valine with alanine at codon 1047 of the TSC2 protein. Computational prediction is inconclusive regarding the impact of this variant on protein structure and function (internally defined REVEL score threshold 0.5 < inconclusive < 0.7, PMID: 27666373). To our knowledge, functional studies have not been reported for this variant. This variant has not been reported in individuals affected with tuberous sclerosis complex in the literature. This variant has been identified in 37/281746 chromosomes in the general population by the Genome Aggregation Database (gnomAD). The available evidence is insufficient to determine the role of this variant in disease conclusively. Therefore, this variant is classified as a Variant of Uncertain Significance.

This study involves interpretation of variants in research participants for the purpose of population health screening. Participant phenotype was not available at the time of variant classification. Additional details can be found in publication PMID: 35346344, PMCID: PMC8962531

Blueprint Genetics
Classification: Likely benign. Last evaluated: 2024-08-21. Review status: criteria provided, single submitter. Criteria: ACMG Guidelines, 2015. Collection method: clinical testing. Allele origin: germline.

Color Diagnostics, LLC DBA Color Health
Classification: Uncertain significance for Tuberous sclerosis syndrome. Last evaluated: 2024-04-24. Review status: criteria provided, single submitter. Criteria: ACMG Guidelines, 2015. Collection method: clinical testing. Allele origin: germline.
Comment: This missense variant replaces valine with alanine at codon 1047 of the TSC2 protein. Computational prediction is inconclusive regarding the impact of this variant on protein structure and function. To our knowledge, functional studies have not been reported for this variant. This variant has not been reported in individuals affected with tuberous sclerosis complex in the literature. This variant has been identified in 37/281746 chromosomes in the general population by the Genome Aggregation Database (gnomAD). The available evidence is insufficient to determine the role of this variant in disease conclusively. Therefore, this variant is classified as a Variant of Uncertain Significance.

Genome-Nilou Lab
Classification: Likely benign for Tuberous sclerosis 2. Last evaluated: 2021-11-07. Review status: criteria provided, single submitter. Criteria: ACMG Guidelines, 2015. Collection method: clinical testing. Allele origin: germline. Affected: no.

Institute for Clinical Genetics, University Hospital TU Dresden, University Hospital TU Dresden
Classification: Uncertain significance. Last evaluated: 2021-11-03. Review status: criteria provided, single submitter. Criteria: ACMG Guidelines, 2015. Collection method: clinical testing. Allele origin: germline.

Sema4
Classification: Likely benign for Hereditary cancer-predisposing syndrome. Last evaluated: 2021-01-20. Review status: criteria provided, single submitter. Criteria: Sema4 Curation Guidelines. Collection method: curation. Allele origin: germline.

Ambry Genetics
Classification: Likely benign for Hereditary cancer-predisposing syndrome. Last evaluated: 2018-09-14. Review status: criteria provided, single submitter. Criteria: Ambry Variant Classification Scheme 2023. Collection method: clinical testing. Allele origin: germline.

GeneDx
Classification: Likely benign. Last evaluated: 2018-01-08. Review status: criteria provided, single submitter. Criteria: GeneDx Variant Classification (06012015). Collection method: clinical testing. Allele origin: germline. Affected: yes.
Comment: This variant is considered likely benign or benign based on one or more of the following criteria: it is a conservative change, it occurs at a poorly conserved position in the protein, it is predicted to be benign by multiple in silico algorithms, and/or has population frequency not consistent with disease.

Eurofins Ntd Llc (ga)
Classification: Uncertain significance. Last evaluated: 2017-04-14. Review status: criteria provided, single submitter. Criteria: EGL Classification Definitions 2015. Collection method: clinical testing. Allele origin: germline. Observed: 1 variant allele, 1 heterozygote.

PreventionGenetics, part of Exact Sciences
Classification: Likely benign for TSC2-related condition. Last evaluated: 2023-08-24. Review status: no assertion criteria provided. Collection method: clinical testing. Allele origin: germline. Not counted in ClinVar's aggregate classification.
Comment: This variant is classified as likely benign based on ACMG/AMP sequence variant interpretation guidelines (Richards et al. 2015 PMID: 25741868, with internal and published modifications).

ITMI
No classification provided. Condition: AllHighlyPenetrant. Last evaluated: 2013-09-19. Review status: no classification provided. Collection method: reference population. Allele origin: germline. Not counted in ClinVar's aggregate classification.
Comment: Please see associated publication for description of ethnicities

Tuberous sclerosis database (TSC2)
No classification provided. Condition: TSC. Review status: no classification provided. Criteria: Tuberous Sclerosis Database Assertion Criteria 2015. Collection method: curation. Allele origin: germline. Affected: yes. Not counted in ClinVar's aggregate classification.

Literature cited by the submitters: PubMed 24728327 (cited by 3 submitters); PubMed 39976419 (cited by Mayo Clinic Laboratories, Mayo Clinic).

NM_000548.5(TSC2):c.3140T>C (p.Val1047Ala)

Gene: TSC2 (TSC complex subunit 2; plus strand). Cytogenetic location: 16p13.3.
Variant type: single nucleotide variant.
Coding change: c.3140T>C on transcript NM_000548.5 (MANE Select); coding-DNA position 3140, T replaced by C.
Protein change: p.Val1047Ala; replaces valine 1047 with alanine.
Molecular consequence: missense variant.
Genome position (GRCh38, 1-based): chr16:2,079,284, T>C. VCF-style: chr16-2079284-T-C. GRCh37 (hg19) VCF-style: chr16-2129285-T-C.
Other names: p.V1047A:GTG>GCG; p.Val1047Ala; c.3008T>C, p.Val1003Ala (NM_001077183.3, NM_001370404.1); c.3140T>C, p.Val1047Ala (NM_001114382.3); c.2900T>C, p.Val967Ala (NM_001318827.2); c.2864T>C, p.Val955Ala (NM_001318829.2); c.2408T>C, p.Val803Ala (NM_001318831.2); c.3041T>C, p.Val1014Ala (NM_001318832.2); and 2 more; short protein forms V1047A, V1004A, V1003A, V803A, V1014A, V955A, V967A.
Identifiers: ClinVar variation 49565 (VCV000049565.46), dbSNP rs45517284, ClinGen allele CA018645.